The following is an entry in ClinVar:

NM_139027.6(ADAMTS13):c.715G>T (p.Gly239Cys)

Gene: ADAMTS13 (ADAM metallopeptidase with thrombospondin type 1 motif 13; plus strand). Cytogenetic location: 9q34.2.
Variant type: single nucleotide variant.
Coding change: c.715G>T on transcript NM_139027.6 (MANE Select); coding-DNA position 715, G replaced by T.
Protein change: p.Gly239Cys; replaces glycine 239 with cysteine.
Molecular consequence: missense variant.
Genome position (GRCh38, 1-based): chr9:133,428,662, G>T. VCF-style: chr9-133428662-G-T. GRCh37 (hg19) VCF-style: chr9-136293782-G-T.
Other names: c.715G>T, p.Gly239Cys (NM_139025.5, NM_139026.6); short protein forms G239C.
Identifiers: ClinVar variation 2631616 (VCV002631616.1), dbSNP rs1554785883, ClinGen allele CA375384868.

ClinVar aggregate classification (germline): Uncertain significance (1 of 4 stars; one submission).

Conditions:
ADAMTS13-related disorder. Also called: ADAMTS13-related condition.

Submission:

PreventionGenetics, part of Exact Sciences
Classification: Uncertain significance for ADAMTS13-related condition. Last evaluated: 2023-07-21. Review status: criteria provided, single submitter. Criteria: ACMG Guidelines, 2015. Collection method: clinical testing. Allele origin: germline.
Comment: The ADAMTS13 c.715G>T variant is predicted to result in the amino acid substitution p.Gly239Cys. To our knowledge, this variant has not been reported in the literature or in a large population database, indicating this variant is rare. At this time, the clinical significance of this variant is uncertain due to the absence of conclusive functional and genetic evidence.